The following is an entry in ClinVar:

NM_014425.5(INVS):c.-155C>T

Gene: INVS (inversin; plus strand). Cytogenetic location: 9q31.1.
Variant type: single nucleotide variant.
Coding change: c.-155C>T on transcript NM_014425.5 (MANE Select); 155 bases upstream of the start codon, C replaced by T.
Molecular consequence: 5 prime UTR variant. On other transcripts: non-coding transcript variant (1).
Genome position (GRCh38, 1-based): chr9:100,099,286, C>T. VCF-style: chr9-100099286-C-T. GRCh37 (hg19) VCF-style: chr9-102861568-C-T.
Other names: c.-531C>T (NM_001318381.2); c.-1144C>T (NM_001318382.2).
Identifiers: ClinVar variation 364218 (VCV000364218.5), dbSNP rs62577237, ClinGen allele CA10631772.

ClinVar aggregate classification (germline): Likely benign (1 of 4 stars; one submission).

Conditions:
Infantile nephronophthisis (NPHP2). Also called: Nephronophthisis 2; Nephronophthisis 2, infantile. Identifiers: Orphanet 655, Orphanet 93591, MedGen C1865872, MONDO:0011190, OMIM 602088.

Allele frequency attached by ClinVar (database versions not stated): 1000 Genomes Project 30x 0.00578; 1000 Genomes Project 0.00579; gnomAD 0.00805 and 0.00872; TOPMed 0.00812; gnomAD exomes 0.01437.
gnomAD v4.1: 1,444 of 160,600 alleles (0.9%); highest among the groups gnomAD compares: Middle Eastern, 3.2%; 20 homozygotes.

Submission:

Illumina Laboratory Services, Illumina
Classification: Likely benign for Infantile nephronophthisis. Last evaluated: 2018-01-13. Review status: criteria provided, single submitter. Criteria: ICSL Variant Classification Criteria 13 December 2019. Collection method: clinical testing. Allele origin: germline.
Comment: This variant was observed in the ICSL laboratory as part of a predisposition screen in an ostensibly healthy population. It had not been previously curated by ICSL or reported in the Human Gene Mutation Database (HGMD: prior to June 1st, 2018), and was therefore a candidate for classification through an automated scoring system. Utilizing variant allele frequency, disease prevalence and penetrance estimates, and inheritance mode, an automated score was calculated to assess if this variant is too frequent to cause the disease. Based on the score and internal cut-off values, a variant classified as likely benign is not then subjected to further curation. The score for this variant resulted in a classification of likely benign for this disease.